The following is an entry in ClinVar:

NM_138295.5(PKD1L1):c.1170C>T (p.Cys390=)

Gene: PKD1L1 (polycystin 1 like 1, transient receptor potential channel interacting; minus strand). Cytogenetic location: 7p12.3.
Variant type: single nucleotide variant.
Coding change: c.1170C>T on transcript NM_138295.5 (MANE Select); coding-DNA position 1170, C replaced by T.
Protein change: p.Cys390=; no amino-acid change (cysteine 390 retained).
Molecular consequence: synonymous variant.
Genome position (GRCh38, 1-based): chr7:47,915,490, G>A on the plus strand (C>T on the coding strand, the complement: PKD1L1 is on the minus strand). VCF-style: chr7-47915490-G-A. GRCh37 (hg19) VCF-style: chr7-47955087-G-A.
Identifiers: ClinVar variation 4982270 (VCV004982270.1).

ClinVar aggregate classification (germline): Likely benign (1 of 4 stars; one submission).

Conditions:
PKD1L1-related disorder. Also called: PKD1L1-related condition.

gnomAD v4.1: 10 of 1,296,532 alleles (0.00077%); highest among the groups gnomAD compares: African/African-American, 0.0015%; no homozygotes.

Submission:

PreventionGenetics, part of Exact Sciences
Classification: Likely benign for PKD1L1-related condition. Last evaluated: 2026-03-17. Review status: criteria provided, single submitter. Criteria: ACMG Guidelines, 2015. Collection method: clinical testing. Allele origin: germline.
Comment: This variant is classified as likely benign based on ACMG/AMP sequence variant interpretation guidelines (Richards et al. 2015 PMID: 25741868, with internal and published modifications).